The following is an entry in ClinVar:

ClinVar aggregate classification (germline): Uncertain significance (0 of 4 stars; one submission).

Conditions:
PCNT-related disorder. Also called: PCNT-related condition.

Submission:

PreventionGenetics, part of Exact Sciences
Classification: Uncertain significance for PCNT-related condition. Last evaluated: 2024-04-06. Review status: no assertion criteria provided. Collection method: clinical testing. Allele origin: germline.
Comment: The PCNT c.3524C>T variant is predicted to result in the amino acid substitution p.Ala1175Val. To our knowledge, this variant has not been reported in the literature or in a large population database, indicating this variant is rare. At this time, the clinical significance of this variant is uncertain due to the absence of conclusive functional and genetic evidence.

NM_006031.6(PCNT):c.3524C>T (p.Ala1175Val)

Gene: PCNT (pericentrin; plus strand). Cytogenetic location: 21q22.3.
Variant type: single nucleotide variant.
Coding change: c.3524C>T on transcript NM_006031.6 (MANE Select); coding-DNA position 3524, C replaced by T.
Protein change: p.Ala1175Val; replaces alanine 1175 with valine.
Molecular consequence: missense variant.
Genome position (GRCh38, 1-based): chr21:46,388,801, C>T. VCF-style: chr21-46388801-C-T. GRCh37 (hg19) VCF-style: chr21-47808716-C-T.
Other names: c.3170C>T, p.Ala1057Val (NM_001315529.2); short protein forms A1057V, A1175V.
Identifiers: ClinVar variation 3353433 (VCV003353433.1).